The following is an entry in ClinVar:

NM_001145809.2(MYH14):c.1462G>A (p.Ala488Thr)

Gene: MYH14 (myosin heavy chain 14; plus strand). Cytogenetic location: 19q13.33.
Variant type: single nucleotide variant.
Coding change: c.1462G>A on transcript NM_001145809.2 (MANE Select); coding-DNA position 1462, G replaced by A.
Protein change: p.Ala488Thr; replaces alanine 488 with threonine.
Molecular consequence: missense variant.
Genome position (GRCh38, 1-based): chr19:50,249,119, G>A. VCF-style: chr19-50249119-G-A. GRCh37 (hg19) VCF-style: chr19-50752376-G-A.
Other names: c.1462G>A, p.Ala488Thr (NM_001077186.2); c.1438G>A, p.Ala480Thr (NM_024729.4); short protein forms A480T, A488T.
Identifiers: ClinVar variation 4853783 (VCV004853783.1).

ClinVar aggregate classification (germline): Uncertain significance (1 of 4 stars; one submission).

gnomAD v4.1: 7 of 1,589,876 alleles (0.00044%); highest among the groups gnomAD compares: South Asian, 0.0011%; no homozygotes.

Submission:

Women's Health and Genetics/Laboratory Corporation of America, LabCorp
Classification: Uncertain significance. Last evaluated: 2026-05-29. Review status: criteria provided, single submitter. Criteria: LabCorp Variant Classification Summary - May 2015. Collection method: clinical testing. Allele origin: germline.
Comment: Variant summary: MYH14 c.1438G>A (p.Ala480Thr) results in a non-conservative amino acid change in the encoded protein sequence. Algorithms developed to predict the effect of missense changes on protein structure and function all suggest that this variant is likely to be disruptive. The variant was absent in 205026 control chromosomes. The available data on variant occurrences in the general population are insufficient to allow any conclusion about variant significance. To our knowledge, no occurrence of c.1438G>A in individuals affected with MYH14-related conditions and no experimental evidence demonstrating its impact on protein function have been reported. No submitters have cited clinical-significance assessments for this variant to ClinVar. Based on the evidence outlined above, the variant was classified as uncertain significance.